The following is an entry in ClinVar:

NM_016592.5(GNAS):c.596_597del (p.Lys199fs)

Genes: GNAS (GNAS complex locus; plus strand), GNAS-AS1 (GNAS antisense RNA 1; minus strand). Cytogenetic location: 20q13.32.
Variant type: Deletion.
Coding change: c.596_597del on transcript NM_016592.5 (MANE Plus Clinical); coding-DNA positions 596 to 597, 2 bases deleted (AA; older notation c.596_597delAA).
Protein change: p.Lys199fs; shifts the reading frame from lysine 199.
Molecular consequence: frameshift variant. On other transcripts: 5 prime UTR variant (1).
Genome position (GRCh38, 1-based): chr20:58,840,702-58,840,703, AA deleted; deleting any 2 consecutive bases within chr20:58,840,701-58,840,703 gives the same sequence; the c. name uses the placement nearest the transcript's 3' end. VCF-style (leftmost placement, unchanged base first): chr20-58840700-CAA-C. GRCh37 (hg19) VCF-style: chr20-57415755-CAA-C.
Other names: c.-142_-141del (NM_001410912.1); short protein forms K199fs.
Identifiers: ClinVar variation 4992523 (VCV004992523.1).

ClinVar aggregate classification (germline): Uncertain significance (1 of 4 stars; one submission).

Conditions:
GNAS-related disorder. Identifiers: MedGen CN380105.

Submission:

PreventionGenetics, part of Exact Sciences
Classification: Uncertain significance for GNAS-related condition. Last evaluated: 2026-03-05. Review status: criteria provided, single submitter. Criteria: ACMG Guidelines, 2015. Collection method: clinical testing. Allele origin: germline.
Comment: The GNAS c.596_597delAA variant is predicted to result in a frameshift and premature protein termination (p.Lys199Argfs*29). This variant in pre-coding in an alternative transcript NM_000516:c.-51025_-51024delAA. To our knowledge, this variant has not been reported in the literature or in a large population database (gnomAD), indicating this variant is rare. At this time, the clinical significance of this variant is uncertain due to the absence of conclusive functional and genetic evidence.